The following is an entry in ClinVar:

ClinVar aggregate classification (germline): Likely pathogenic (0 of 4 stars; one submission).

Conditions:
Monogenic diabetes. Identifiers: Orphanet 183625, MedGen C3888631, MONDO:0015967.

Submission:

Smedley Team, Phenogenomics Group, Queen Mary University of London
Classification: Likely pathogenic for Monogenic diabetes. Last evaluated: 2024-12-16. Review status: no assertion criteria provided. Collection method: case-control. Allele origin: germline. Inheritance: Autosomal dominant inheritance. Affected: yes.
Comment: In addition, this variant is only observed in non-Finnish Europeans at 0.0067% MAF in gnomAD and was classified as PM2 leading to an overall pathogenic classification. UNC13A was identified as a novel disease-gene association for monogenic diabetes in a gene burden study of the 100,000 Genomes Project.

NC_000019.10:g.17688440_17688441insC

Variant type: Insertion.
Genome position: GRCh38 VCF-style: chr19-17688440-G-GC. GRCh37 (hg19) VCF-style: chr19-17799249-G-GC.
Identifiers: ClinVar variation 3391170 (VCV003391170.1).
Genomic context (GRCh38, chr19:17,688,440, plus strand): 5'-ATGCGGGGCGGGCAGGCGGAGCCCAGGGACGCCTGATGGGGCGGGGGCGCTGCGGGCTGG[G>GC]GGGGCGTTAAAGGGCCTGGCTCCGGGAAGGGGCGCCTCGCCCCACACCTCCTCGTTGCAG-3'